The following is an entry in ClinVar:

ClinVar aggregate classification (germline): Uncertain significance (1 of 4 stars; one submission).

Conditions:
Inborn genetic diseases. Identifiers: MedGen C0950123, MeSH D030342.

gnomAD v4.1: 18 of 1,614,046 alleles (0.0011%); highest among the groups gnomAD compares: Non-Finnish European, 0.0015%; no homozygotes.

Submission:

Ambry Genetics
Classification: Uncertain significance for Inborn genetic diseases. Last evaluated: 2025-12-10. Review status: criteria provided, single submitter. Criteria: Ambry Variant Classification Scheme 2023. Collection method: clinical testing. Allele origin: germline.
Comment: The p.K400E variant (also known as c.1198A>G), located in coding exon 9 of the BUB1B gene, results from an A to G substitution at nucleotide position 1198. The lysine at codon 400 is replaced by glutamic acid, an amino acid with similar properties. This amino acid position is conserved. In addition, the in silico prediction for this alteration is inconclusive. Based on the available evidence, the clinical significance of this variant remains unclear.

NM_001211.6(BUB1B):c.1198A>G (p.Lys400Glu)

Gene: BUB1B (BUB1 mitotic checkpoint serine/threonine kinase B; plus strand). Cytogenetic location: 15q15.1.
Variant type: single nucleotide variant.
Coding change: c.1198A>G on transcript NM_001211.6 (MANE Select); coding-DNA position 1198, A replaced by G.
Protein change: p.Lys400Glu; replaces lysine 400 with glutamic acid.
Molecular consequence: missense variant.
Genome position (GRCh38, 1-based): chr15:40,196,684, A>G. VCF-style: chr15-40196684-A-G. GRCh37 (hg19) VCF-style: chr15-40488885-A-G.
Other names: short protein forms K400E.
Identifiers: ClinVar variation 4600659 (VCV004600659.1).